The following is an entry in ClinVar:

ClinVar aggregate classification (germline): Pathogenic (1 of 4 stars; one submission).

Conditions:
Trichorhinophalangeal syndrome, type III (TRPS3). Also called: SUGIO-KAJII SYNDROME. Identifiers: Orphanet 77258, MedGen C1860823, OMIM 190351, MONDO:0008597.
Trichorhinophalangeal dysplasia type I (TRPS1). Also called: TRICHORHINOPHALANGEAL SYNDROME, TYPE I; TRPS I. Identifiers: Orphanet 77258, MedGen C0432233, MONDO:0008596, OMIM 190350.

Submission:

Labcorp Genetics (formerly Invitae), Labcorp
Classification: Pathogenic for Trichorhinophalangeal syndrome, type III; Trichorhinophalangeal dysplasia type I. Last evaluated: 2019-07-20. Review status: criteria provided, single submitter. Criteria: Invitae Variant Classification Sherloc (09022015). Collection method: clinical testing. Allele origin: germline.
Comment: For these reasons, this variant has been classified as Pathogenic. Loss-of-function variants in TRPS1 are known to be pathogenic (PMID: 11112658). This variant has not been reported in the literature in individuals with TRPS1-related conditions. This variant is not present in population databases (ExAC no frequency). This sequence change creates a premature translational stop signal (p.Lys394*) in the TRPS1 gene. It is expected to result in an absent or disrupted protein product.

Literature cited by the submitters: PubMed 11112658.

NM_014112.5(TRPS1):c.1180A>T (p.Lys394Ter)

Gene: TRPS1 (transcriptional repressor GATA binding 1; minus strand). Cytogenetic location: 8q23.3.
Variant type: single nucleotide variant.
Coding change: c.1180A>T on transcript NM_014112.5 (MANE Select); coding-DNA position 1180, A replaced by T.
Protein change: p.Lys394Ter; replaces lysine 394 with a stop codon.
Molecular consequence: nonsense.
Genome position (GRCh38, 1-based): chr8:115,604,789, T>A on the plus strand (A>T on the coding strand, the complement: TRPS1 is on the minus strand). VCF-style: chr8-115604789-T-A. GRCh37 (hg19) VCF-style: chr8-116617016-T-A.
Other names: c.1153A>T, p.Lys385Ter (NM_001282902.3); c.1159A>T, p.Lys387Ter (NM_001282903.3); c.1141A>T, p.Lys381Ter (NM_001330599.2); short protein forms K381*, K385*, K387*, K394*.
Identifiers: ClinVar variation 948294 (VCV000948294.7), dbSNP rs1368938675, ClinGen allele CA372067977.
Genomic context (GRCh38, chr8:115,604,789, plus strand): 5'-TCTTGTCCTGCCATTTTCCCAAGTCTCCAGAATCACTGGATTGAAGTGCAGGGATGGACT[T>A]GTTAGAGTTTTTCTCTGAAGGTTTTGCAACCTCAGAGGAGGGGAGAGAAGCTTTTATTTT-3'